The following is an entry in ClinVar:

ClinVar aggregate classification (germline): Uncertain significance (1 of 4 stars; one submission).

Conditions:
Neuronopathy, distal hereditary motor, autosomal recessive 5. Also called: Spinal muscular atrophy, distal, autosomal recessive, 5; Young adult-onset distal hereditary motor neuropathy; NEUROPATHY, DISTAL HEREDITARY MOTOR, AUTOSOMAL RECESSIVE 5. Identifiers: Orphanet 314485, Orphanet 443950, MedGen C4749918, MONDO:0013947, OMIM 614881.

Allele frequency attached by ClinVar (database versions not stated): gnomAD 0.00001; TOPMed 0.00002; gnomAD exomes 0.00003; ExAC 0.00007.
gnomAD v4.1: 6 of 1,614,056 alleles (0.00037%); highest among the groups gnomAD compares: East Asian, 0.013%; no homozygotes.

Submission:

Labcorp Genetics (formerly Invitae), Labcorp
Classification: Uncertain significance for Neuronopathy, distal hereditary motor, autosomal recessive 5. Last evaluated: 2021-09-01. Review status: criteria provided, single submitter. Criteria: Invitae Variant Classification Sherloc (09022015). Collection method: clinical testing. Allele origin: germline.
Comment: This sequence change replaces glycine with alanine at codon 108 of the DNAJB2 protein (p.Gly108Ala). The glycine residue is highly conserved and there is a small physicochemical difference between glycine and alanine. This variant is present in population databases (rs763591754, ExAC 0.09%). This variant has not been reported in the literature in individuals affected with DNAJB2-related conditions. Algorithms developed to predict the effect of missense changes on protein structure and function (SIFT, PolyPhen-2, Align-GVGD) all suggest that this variant is likely to be disruptive. In summary, the available evidence is currently insufficient to determine the role of this variant in disease. Therefore, it has been classified as a Variant of Uncertain Significance.

NM_006736.6(DNAJB2):c.323G>C (p.Gly108Ala)

Gene: DNAJB2 (DnaJ heat shock protein family (Hsp40) member B2; plus strand). Cytogenetic location: 2q35.
Variant type: single nucleotide variant.
Coding change: c.323G>C on transcript NM_006736.6 (MANE Select); coding-DNA position 323, G replaced by C.
Protein change: p.Gly108Ala; replaces glycine 108 with alanine.
Molecular consequence: missense variant.
Genome position (GRCh38, 1-based): chr2:219,282,032, G>C. VCF-style: chr2-219282032-G-C. GRCh37 (hg19) VCF-style: chr2-220146754-G-C.
Other names: c.323G>C, p.Gly108Ala (NM_001039550.2); short protein forms G108A.
Identifiers: ClinVar variation 657413 (VCV000657413.7), dbSNP rs763591754, ClinGen allele CA2122908.
Genomic context (GRCh38, chr2:219,282,032, plus strand): 5'-GTGGGCCTGGCTTCACCTTCACCTTCCGCAGCCCCGAGGAGGTCTTCCGGGAATTCTTTG[G>C]GAGTGGAGACCCTTTTGCAGAGCTCTTTGGTGAGTGGACTCTGGAAGCCTCTGAATGGCT-3'
Protein context (NP_006727.2, residues 98-118): SPEEVFREFF[Gly108Ala]SGDPFAELFD